The following is an entry in ClinVar:

NM_001276345.2(TNNT2):c.617G>T (p.Arg206Leu)

Gene: TNNT2 (troponin T2, cardiac type; minus strand). Cytogenetic location: 1q32.1.
Variant type: single nucleotide variant.
Coding change: c.617G>T on transcript NM_001276345.2 (MANE Select); coding-DNA position 617, G replaced by T.
Protein change: p.Arg206Leu; replaces arginine 206 with leucine.
Molecular consequence: missense variant.
Genome position (GRCh38, 1-based): chr1:201,362,015, C>A on the plus strand (G>T on the coding strand, the complement: TNNT2 is on the minus strand). VCF-style: chr1-201362015-C-A. GRCh37 (hg19) VCF-style: chr1-201331143-C-A.
Other names: c.608G>T, p.Arg203Leu (NM_000364.4, NM_001406723.1); c.587G>T, p.Arg196Leu (NM_001001430.3, NM_001276347.2, NM_001406724.1); c.578G>T, p.Arg193Leu (NM_001001431.3, NM_001406726.1, NM_001406727.1); c.569G>T, p.Arg190Leu (NM_001001432.3); c.488G>T, p.Arg163Leu (NM_001276346.2); c.584G>T, p.Arg195Leu (NM_001406725.1); c.572G>T, p.Arg191Leu (NM_001406728.1); short protein forms R190L, R163L, R191L, R195L, R206L, R193L, R196L, R203L.
Identifiers: ClinVar variation 2039723 (VCV002039723.4), dbSNP rs371047521, ClinGen allele CA344203997.

ClinVar aggregate classification (germline): Uncertain significance (1 of 4 stars; one submission).

Conditions:
Hypertrophic cardiomyopathy 2. Also called: TNNT2-Related Familial Hypertrophic Cardiomyopathy. Identifiers: MedGen C1861864, MONDO:0007266, OMIM 115195.
Cardiomyopathy, familial restrictive, 3. Identifiers: Orphanet 75249, MedGen C2676271, MONDO:0012900, OMIM 612422.
Dilated cardiomyopathy 1D. Identifiers: Orphanet 154, Orphanet 54260, MedGen C1832243, MONDO:0011095, OMIM 601494.

Submission:

Labcorp Genetics (formerly Invitae), Labcorp
Classification: Uncertain significance for Cardiomyopathy, familial restrictive, 3; Hypertrophic cardiomyopathy 2; Dilated cardiomyopathy 1D. Last evaluated: 2024-10-03. Review status: criteria provided, single submitter. Criteria: Invitae Variant Classification Sherloc (09022015). Collection method: clinical testing. Allele origin: germline.
Comment: This sequence change replaces arginine, which is basic and polar, with leucine, which is neutral and non-polar, at codon 196 of the TNNT2 protein (p.Arg196Leu). This variant is not present in population databases (gnomAD no frequency). This variant has not been reported in the literature in individuals affected with TNNT2-related conditions. ClinVar contains an entry for this variant (Variation ID: 2039723). Invitae Evidence Modeling of protein sequence and biophysical properties (such as structural, functional, and spatial information, amino acid conservation, physicochemical variation, residue mobility, and thermodynamic stability) indicates that this missense variant is not expected to disrupt TNNT2 protein function with a negative predictive value of 80%. This variant disrupts the p.Arg196Trp amino acid residue in TNNT2. Other variant(s) that disrupt this residue have been determined to be pathogenic (PMID: 26899768). This suggests that this residue is clinically significant, and that variants that disrupt this residue are likely to be disease-causing. In summary, the available evidence is currently insufficient to determine the role of this variant in disease. Therefore, it has been classified as a Variant of Uncertain Significance.

Literature cited by the submitters: PubMed 26899768.